The following is an entry in ClinVar:

NM_001379286.1(ZNF423):c.1061G>A (p.Arg354Gln)

Gene: ZNF423 (zinc finger protein 423; minus strand). Cytogenetic location: 16q12.1.
Variant type: single nucleotide variant.
Coding change: c.1061G>A on transcript NM_001379286.1 (MANE Select); coding-DNA position 1061, G replaced by A.
Protein change: p.Arg354Gln; replaces arginine 354 with glutamine.
Molecular consequence: missense variant.
Genome position (GRCh38, 1-based): chr16:49,638,115, C>T on the plus strand (G>A on the coding strand, the complement: ZNF423 is on the minus strand). VCF-style: chr16-49638115-C-T. GRCh37 (hg19) VCF-style: chr16-49672026-C-T.
Other names: c.857G>A, p.Arg286Gln (NM_001271620.2); c.686G>A, p.Arg229Gln (NM_001330533.2); c.1037G>A, p.Arg346Gln (NM_015069.5); c.1037G>A (NM_015069.2); short protein forms R286Q, R346Q, R354Q, R229Q.
Identifiers: ClinVar variation 2114641 (VCV002114641.4), dbSNP rs753225898, ClinGen allele CA8046766.

ClinVar aggregate classification (germline): Uncertain significance. Review status: criteria provided, multiple submitters, no conflicts (2 of 4 stars). 2 submissions from 2 submitters: Uncertain significance (2). Last evaluated 2025-11-26.

Conditions:
Nephronophthisis 14 (NPHP14). Identifiers: Orphanet 2318, MedGen C3539071, MONDO:0013916, OMIM 614844.

Allele frequency attached by ClinVar (database versions not stated): TOPMed below 0.00001; gnomAD 0.00001; ExAC 0.00002.
gnomAD v4.1: 14 of 1,613,052 alleles (0.00087%); highest among the groups gnomAD compares: South Asian, 0.0044%; no homozygotes.

Submissions (2):

Ambry Genetics
Classification: Uncertain significance. Last evaluated: 2025-11-26. Review status: criteria provided, single submitter. Criteria: Ambry Variant Classification Scheme 2023. Collection method: clinical testing. Allele origin: germline.

Labcorp Genetics (formerly Invitae), Labcorp
Classification: Uncertain significance for Nephronophthisis 14. Last evaluated: 2022-11-22. Review status: criteria provided, single submitter. Criteria: Invitae Variant Classification Sherloc (09022015). Collection method: clinical testing. Allele origin: germline.
Comment: In summary, the available evidence is currently insufficient to determine the role of this variant in disease. Therefore, it has been classified as a Variant of Uncertain Significance. Advanced modeling of protein sequence and biophysical properties (such as structural, functional, and spatial information, amino acid conservation, physicochemical variation, residue mobility, and thermodynamic stability) performed at Invitae indicates that this missense variant is not expected to disrupt ZNF423 protein function. This variant has not been reported in the literature in individuals affected with ZNF423-related conditions. This variant is present in population databases (rs753225898, gnomAD 0.007%). This sequence change replaces arginine, which is basic and polar, with glutamine, which is neutral and polar, at codon 346 of the ZNF423 protein (p.Arg346Gln).